The following is an entry in ClinVar:

NM_007118.4(TRIO):c.7317_7364del (p.Ser2440_Ser2455del)

Gene: TRIO (trio Rho guanine nucleotide exchange factor; plus strand). Cytogenetic location: 5p15.2.
Variant type: Deletion.
Coding change: c.7317_7364del on transcript NM_007118.4 (MANE Select); coding-DNA positions 7317 to 7364, 48 bases deleted.
Protein change: p.Ser2440_Ser2455del.
Molecular consequence: inframe deletion.
Genome position (GRCh38, 1-based): chr5:14,487,945-14,487,992, 48 bases deleted; deleting any 48 consecutive bases within chr5:14,487,944-14,487,992 gives the same sequence; the c. name uses the placement nearest the transcript's 3' end. GRCh37 (hg19): chr5:14,488,054-14,488,101.
Identifiers: ClinVar variation 1188404 (VCV001188404.2), dbSNP rs2126638222, ClinGen allele CA2499217706.

ClinVar aggregate classification (germline): Uncertain significance (1 of 4 stars; one submission).

Submission:

GeneDx
Classification: Uncertain significance. Last evaluated: 2020-07-09. Review status: criteria provided, single submitter. Criteria: GeneDx Variant Classification Process June 2021. Collection method: clinical testing. Allele origin: germline. Affected: yes.
Comment: Not observed in large population cohorts (Lek et al., 2016); In-frame deletion of 16 amino acids in a non-repeat region; In silico analysis supports a deleterious effect on protein structure/function; Has not been previously published as pathogenic or benign to our knowledge